The following is an entry in ClinVar:

NM_002303.6(LEPR):c.2674-5787G>T

Gene: LEPR (leptin receptor; plus strand). Cytogenetic location: 1p31.3.
Variant type: single nucleotide variant.
Coding change: c.2674-5787G>T on transcript NM_002303.6 (MANE Select); 5787 bases into the intron before coding-DNA position 2674, G replaced by T.
Molecular consequence: intron variant. On other transcripts: stop lost (2).
Genome position (GRCh38, 1-based): chr1:65,630,404, G>T. VCF-style: chr1-65630404-G-T. GRCh37 (hg19) VCF-style: chr1-66096087-G-T.
Other names: c.2876G>T, p.Ter959Leu (NM_001003680.3, NM_001198687.2); c.2674-2748G>T (NM_001003679.3, NM_001198689.2).
Identifiers: ClinVar variation 4979681 (VCV004979681.1).

ClinVar aggregate classification (germline): Likely benign (1 of 4 stars; one submission).

Conditions:
LEPR-related disorder. Also called: LEPR-related condition; LEPR-related disorders.

Submission:

PreventionGenetics, part of Exact Sciences
Classification: Likely benign for LEPR-related condition. Last evaluated: 2025-09-26. Review status: criteria provided, single submitter. Criteria: ACMG Guidelines, 2015. Collection method: clinical testing. Allele origin: germline.
Comment: This variant is classified as likely benign based on ACMG/AMP sequence variant interpretation guidelines (Richards et al. 2015 PMID: 25741868, with internal and published modifications).